The following is an entry in ClinVar:

NM_022773.4(LMF1):c.403G>A (p.Gly135Ser)

Gene: LMF1 (lipase maturation factor 1; minus strand). Cytogenetic location: 16p13.3.
Variant type: single nucleotide variant.
Coding change: c.403G>A on transcript NM_022773.4 (MANE Select); coding-DNA position 403, G replaced by A.
Protein change: p.Gly135Ser; replaces glycine 135 with serine.
Molecular consequence: missense variant. On other transcripts: 5 prime UTR variant (3), non-coding transcript variant (1).
Genome position (GRCh38, 1-based): chr16:954,457, C>T on the plus strand (G>A on the coding strand, the complement: LMF1 is on the minus strand). VCF-style: chr16-954457-C-T. GRCh37 (hg19) VCF-style: chr16-1004457-C-T.
Other names: c.-401G>A (NM_001352017.2); c.-152G>A (NM_001352018.2); c.76G>A, p.Gly26Ser (NM_001352019.2); c.403G>A, p.Gly135Ser (NM_001352020.1); c.-303G>A (NM_001352021.2); short protein forms G135S, G26S.
Identifiers: ClinVar variation 3227812 (VCV003227812.1), dbSNP rs2548398577, ClinGen allele CA394104429.

ClinVar aggregate classification (germline): Uncertain significance (1 of 4 stars; one submission).

Conditions:
Cardiovascular phenotype. Identifiers: MedGen CN230736.

Allele frequency attached by ClinVar (database versions not stated): gnomAD exomes below 0.00001.
gnomAD v4.1: 1 of 1,612,834 alleles (0.000062%); highest among the groups gnomAD compares: Middle Eastern, 0.017%; no homozygotes.

Submission:

Ambry Genetics
Classification: Uncertain significance for Cardiovascular phenotype. Last evaluated: 2023-11-04. Review status: criteria provided, single submitter. Criteria: Ambry Variant Classification Scheme 2023. Collection method: clinical testing. Allele origin: germline.
Comment: The p.G135S variant (also known as c.403G>A), located in coding exon 2 of the LMF1 gene, results from a G to A substitution at nucleotide position 403. The glycine at codon 135 is replaced by serine, an amino acid with similar properties. This amino acid position is conserved. In addition, this alteration is predicted to be tolerated by in silico analysis. Since supporting evidence is limited at this time, the clinical significance of this alteration remains unclear.